The following is an entry in ClinVar:

ClinVar aggregate classification (germline): Conflicting classifications of pathogenicity. Review status: criteria provided, conflicting classifications (1 of 4 stars). 3 submissions from 3 submitters: Likely pathogenic (1); Likely benign (1). 1 of the submissions does not count toward it. Last evaluated 2026-04-01.

Conditions:
Primary ciliary dyskinesia. Also called: Ciliary dyskinesia. Identifiers: Orphanet 244, MedGen C0008780, MONDO:0016575, HP:0012265.
DNAH14-related disorder. Also called: DNAH14-related condition.

gnomAD v4.1: 6,831 of 1,550,518 alleles (0.44%); highest among the groups gnomAD compares: Non-Finnish European, 0.51%; 30 homozygotes.

Submissions (3):

Department of Human Genetics, Hannover Medical School
Classification: Likely pathogenic for Primary Ciliary Dyskinesia. Last evaluated: 2026-04-01. Review status: criteria provided, single submitter. Criteria: ACMG Guidelines, 2015. Collection method: research. Allele origin: germline. Affected: no.
Comment: Classification performed by HerediClassify using the following criteria:['PP3_splicing_supporting: Variant is predicted to have a splice effect by SpliceAI with evidence strength supporting.', 'PVS1_protein_very_strong: Transcript ENST00000682510 is predicted to undergo NMD.', "PP4_supporting: The modified PICADAR socre of 2.0 exceeds threshold of 2 achieving 'supporting' evidence strength."]

CeGaT Center for Human Genetics Tuebingen
Classification: Likely benign. Last evaluated: 2024-09-01. Review status: criteria provided, single submitter. Criteria: CeGaT Center For Human Genetics Tuebingen Variant Classification Criteria Version 2. Collection method: clinical testing. Allele origin: germline. Affected: yes. Observed: 1 variant allele.
Comment: DNAH14: BS2

PreventionGenetics, part of Exact Sciences
Classification: Likely benign for DNAH14-related condition. Last evaluated: 2024-04-18. Review status: no assertion criteria provided. Collection method: clinical testing. Allele origin: germline. Not counted in ClinVar's aggregate classification.
Comment: This variant is classified as likely benign based on ACMG/AMP sequence variant interpretation guidelines (Richards et al. 2015 PMID: 25741868, with internal and published modifications).

NM_001367479.1(DNAH14):c.10450G>T (p.Glu3484Ter)

Gene: DNAH14 (dynein axonemal heavy chain 14; plus strand). Cytogenetic location: 1q42.12.
Variant type: single nucleotide variant.
Coding change: c.10450G>T on transcript NM_001367479.1 (MANE Select); coding-DNA position 10450, G replaced by T.
Protein change: p.Glu3484Ter; replaces glutamic acid 3484 with a stop codon.
Molecular consequence: nonsense.
Genome position (GRCh38, 1-based): chr1:225,340,473, G>T. VCF-style: chr1-225340473-G-T. GRCh37 (hg19) VCF-style: chr1-225528175-G-T.
Other names: NM_001373.1:c.10171G>T; short protein forms E3484*.
Identifiers: ClinVar variation 3352676 (VCV003352676.16).